The following is an entry in ClinVar:

NC_000011.10:g.(?_5226567)_(5227294_?)del

Genes: HBB (hemoglobin subunit beta; minus strand), LOC106099062 (HBB recombination region; plus strand), LOC107133510 (origin of replication at HBB; plus strand), LOC110006319 (beta-globin gene 3' regulatory region; plus strand). Cytogenetic location: 11p15.4.
Variant type: Deletion.
Identifiers: ClinVar variation 639377 (VCV000639377.2).

ClinVar aggregate classification (germline): Pathogenic (1 of 4 stars; one submission).

Submission:

Labcorp Genetics (formerly Invitae), Labcorp
Classification: Pathogenic. Last evaluated: 2021-11-26. Review status: criteria provided, single submitter. Criteria: Invitae Variant Classification Sherloc (09022015). Collection method: clinical testing. Allele origin: germline.
Comment: This variant is a gross deletion of the genomic region encompassing exons 1-2 of the HBB gene, which includes the initiator codon. The 5' end of this event is unknown as it extends beyond the assayed region for this gene and therefore may encompass additional genes. The 3' boundary is likely confined to intron 2 of the HBB gene. It is expected to result in an absent or disrupted protein product. A similar copy number variant has been observed in individual(s) with HBB-related conditions (PMID: 2456798, 3799598, 6089938, 21797706). Loss-of-function variants in HBB are known to be pathogenic (PMID: 23637309). For these reasons, this variant has been classified as Pathogenic.

Literature cited by the submitters: PubMed 2456798; PubMed 3799598; PubMed 6089938; PubMed 21797706; PubMed 23637309.